The following is an entry in ClinVar:

ClinVar aggregate classification (germline): Uncertain significance (1 of 4 stars; one submission).

Submission:

Labcorp Genetics (formerly Invitae), Labcorp
Classification: Uncertain significance. Last evaluated: 2022-08-16. Review status: criteria provided, single submitter. Criteria: Invitae Variant Classification Sherloc (09022015). Collection method: clinical testing. Allele origin: germline.
Comment: This sequence change replaces asparagine, which is neutral and polar, with isoleucine, which is neutral and non-polar, at codon 737 of the DENND5A protein (p.Asn737Ile). In summary, the available evidence is currently insufficient to determine the role of this variant in disease. Therefore, it has been classified as a Variant of Uncertain Significance. Algorithms developed to predict the effect of missense changes on protein structure and function are either unavailable or do not agree on the potential impact of this missense change (SIFT: "Deleterious"; PolyPhen-2: "Benign"; Align-GVGD: "Class C0"). This variant has not been reported in the literature in individuals affected with DENND5A-related conditions. This variant is not present in population databases (gnomAD no frequency).

NM_015213.4(DENND5A):c.2210A>T (p.Asn737Ile)

Gene: DENND5A (DENN domain containing 5A; minus strand). Cytogenetic location: 11p15.4.
Variant type: single nucleotide variant.
Coding change: c.2210A>T on transcript NM_015213.4 (MANE Select); coding-DNA position 2210, A replaced by T.
Protein change: p.Asn737Ile; replaces asparagine 737 with isoleucine.
Molecular consequence: missense variant. On other transcripts: non-coding transcript variant (1).
Genome position (GRCh38, 1-based): chr11:9,165,909, T>A on the plus strand (A>T on the coding strand, the complement: DENND5A is on the minus strand). VCF-style: chr11-9165909-T-A. GRCh37 (hg19) VCF-style: chr11-9187456-T-A.
Other names: c.2210A>T, p.Asn737Ile (NM_001243254.2, NM_001348748.1); c.2138A>T, p.Asn713Ile (NM_001348749.2); c.1922A>T, p.Asn641Ile (NM_001348750.2); short protein forms N641I, N737I, N713I.
Identifiers: ClinVar variation 2018183 (VCV002018183.4), dbSNP rs759842967, ClinGen allele CA379610454.